The following is an entry in ClinVar:

NM_024408.4(NOTCH2):c.6109G>A (p.Asp2037Asn)

Gene: NOTCH2 (notch receptor 2; minus strand). Cytogenetic location: 1p12.
Variant type: single nucleotide variant.
Coding change: c.6109G>A on transcript NM_024408.4 (MANE Select); coding-DNA position 6109, G replaced by A.
Protein change: p.Asp2037Asn; replaces aspartic acid 2037 with asparagine.
Molecular consequence: missense variant.
Genome position (GRCh38, 1-based): chr1:119,916,613, C>T on the plus strand (G>A on the coding strand, the complement: NOTCH2 is on the minus strand). VCF-style: chr1-119916613-C-T. GRCh37 (hg19) VCF-style: chr1-120459236-C-T.
Other names: short protein forms D2037N.
Identifiers: ClinVar variation 3686451 (VCV003686451.2).

ClinVar aggregate classification (germline): Uncertain significance (1 of 4 stars; one submission).

Conditions:
Hajdu-Cheney syndrome (HJCYS). Also called: SERPENTINE FIBULA-POLYCYSTIC KIDNEY SYNDROME; Acroosteolysis dominant type; ACROOSTEOLYSIS WITH OSTEOPOROSIS AND CHANGES IN SKULL AND MANDIBLE. Identifiers: Orphanet 955, MedGen C0917715, MONDO:0007057, OMIM 102500.

Submission:

Labcorp Genetics (formerly Invitae), Labcorp
Classification: Uncertain significance for Hajdu-Cheney syndrome. Last evaluated: 2024-09-03. Review status: criteria provided, single submitter. Criteria: Invitae Variant Classification Sherloc (09022015). Collection method: clinical testing. Allele origin: germline.
Comment: This sequence change replaces aspartic acid, which is acidic and polar, with asparagine, which is neutral and polar, at codon 2037 of the NOTCH2 protein (p.Asp2037Asn). This variant is not present in population databases (gnomAD no frequency). This variant has not been reported in the literature in individuals affected with NOTCH2-related conditions. Invitae Evidence Modeling of protein sequence and biophysical properties (such as structural, functional, and spatial information, amino acid conservation, physicochemical variation, residue mobility, and thermodynamic stability) indicates that this missense variant is not expected to disrupt NOTCH2 protein function with a negative predictive value of 80%. In summary, the available evidence is currently insufficient to determine the role of this variant in disease. Therefore, it has been classified as a Variant of Uncertain Significance.